The following is an entry in ClinVar:

NC_000003.11:g.(?_167506917)_(167508410_?)del

Gene: SERPINI1 (serpin family I member 1; plus strand). Cytogenetic location: 3q26.1.
Variant type: Deletion.
Identifiers: ClinVar variation 3246889 (VCV003246889.1).

ClinVar aggregate classification (germline): Uncertain significance (1 of 4 stars; one submission).

Conditions:
Familial encephalopathy with neuroserpin inclusion bodies. Also called: ENCEPHALOPATHY, FAMILIAL, WITH COLLINS BODIES. Identifiers: Orphanet 85110, MedGen C1858680, MONDO:0011412, OMIM 604218.

Submission:

Labcorp Genetics (formerly Invitae), Labcorp
Classification: Uncertain significance for Familial encephalopathy with neuroserpin inclusion bodies. Last evaluated: 2023-07-09. Review status: criteria provided, single submitter. Criteria: Invitae Variant Classification Sherloc (09022015). Collection method: clinical testing. Allele origin: unknown.
Comment: In summary, the available evidence is currently insufficient to determine the role of this variant in disease. Therefore, it has been classified as a Variant of Uncertain Significance. This variant is a gross deletion of the genomic region encompassing exon(s) 2-3 of the SERPINI1 gene, which includes the initiator codon. This deletion extends beyond the assayed region for this gene and therefore may encompass additional genes. It is expected to result in an absent or disrupted protein product. However, the current clinical and genetic evidence is not sufficient to establish whether loss-of-function variants in SERPINI1 cause disease. This variant has not been reported in the literature in individuals affected with SERPINI1-related conditions. Experimental studies and prediction algorithms are not available or were not evaluated, and the functional significance of this variant is currently unknown.